The following is an entry in ClinVar:

NM_000321.3(RB1):c.1532A>G (p.Asp511Gly)

Gene: RB1 (RB transcriptional corepressor 1; plus strand). Cytogenetic location: 13q14.2.
Variant type: single nucleotide variant.
Coding change: c.1532A>G on transcript NM_000321.3 (MANE Select); coding-DNA position 1532, A replaced by G.
Protein change: p.Asp511Gly; replaces aspartic acid 511 with glycine.
Molecular consequence: missense variant.
Genome position (GRCh38, 1-based): chr13:48,381,280, A>G. VCF-style: chr13-48381280-A-G. GRCh37 (hg19) VCF-style: chr13-48955416-A-G.
Other names: short protein forms D511G.
Identifiers: ClinVar variation 1024162 (VCV001024162.11), dbSNP rs1948533324, ClinGen allele CA388163388.

ClinVar aggregate classification (germline): Uncertain significance. Review status: criteria provided, multiple submitters, no conflicts (2 of 4 stars). 2 submissions from 2 submitters: Uncertain significance (2). Last evaluated 2022-08-19.

Conditions:
Retinoblastoma (RB1). Also called: RETINOBLASTOMA, SOMATIC. Identifiers: Orphanet 790, MedGen C0035335, MeSH D012175, MONDO:0008380, OMIM 180200, HP:0009919. Disease mechanism: loss of function. Inheritance: Both sporadic and heritable forms are tested..
Hereditary cancer-predisposing syndrome. Also called: Hereditary Cancer Syndrome; Neoplastic Syndromes, Hereditary; Tumor predisposition; Hereditary neoplastic syndrome. Identifiers: Orphanet 140162, MedGen C0027672, MeSH D009386, MONDO:0015356.

Submissions (2):

Ambry Genetics
Classification: Uncertain significance for Hereditary cancer-predisposing syndrome. Last evaluated: 2022-08-19. Review status: criteria provided, single submitter. Criteria: Ambry Variant Classification Scheme 2023. Collection method: clinical testing. Allele origin: germline.
Comment: The p.D511G variant (also known as c.1532A>G), located in coding exon 17 of the RB1 gene, results from an A to G substitution at nucleotide position 1532. The aspartic acid at codon 511 is replaced by glycine, an amino acid with similar properties. This amino acid position is conserved. In addition, the in silico prediction for this alteration is inconclusive. Since supporting evidence is limited at this time, the clinical significance of this alteration remains unclear.

Labcorp Genetics (formerly Invitae), Labcorp
Classification: Uncertain significance for Retinoblastoma. Last evaluated: 2020-10-03. Review status: criteria provided, single submitter. Criteria: Invitae Variant Classification Sherloc (09022015). Collection method: clinical testing. Allele origin: germline.
Comment: This variant is not present in population databases (ExAC no frequency). In summary, the available evidence is currently insufficient to determine the role of this variant in disease. Therefore, it has been classified as a Variant of Uncertain Significance. Algorithms developed to predict the effect of sequence changes on RNA splicing suggest that this variant may create or strengthen a splice site, but this prediction has not been confirmed by published transcriptional studies. Algorithms developed to predict the effect of missense changes on protein structure and function are either unavailable or do not agree on the potential impact of this missense change (SIFT: "Deleterious"; PolyPhen-2: "Benign"; Align-GVGD: "Class C35"). This variant has not been reported in the literature in individuals with RB1-related conditions. This sequence change replaces aspartic acid with glycine at codon 511 of the RB1 protein (p.Asp511Gly). The aspartic acid residue is highly conserved and there is a moderate physicochemical difference between aspartic acid and glycine.